The following is an entry in ClinVar:

NM_001042492.3(NF1):c.1707del (p.Trp571fs)

Gene: NF1 (neurofibromin 1; plus strand). Cytogenetic location: 17q11.2.
Variant type: Deletion.
Coding change: c.1707del on transcript NM_001042492.3 (MANE Select); coding-DNA position 1707, one base deleted (A; older notation c.1707delA).
Protein change: p.Trp571fs; shifts the reading frame from tryptophan 571.
Molecular consequence: frameshift variant.
Genome position (GRCh38, 1-based): chr17:31,221,915, A deleted. VCF-style (leftmost placement, unchanged base first): chr17-31221914-CA-C. GRCh37 (hg19) VCF-style: chr17-29548932-CA-C.
Other names: c.1707delA, p.Trp571Glyfs (NM_000267.4); c.1707del, p.Trp571fs (NM_001128147.3); short protein forms W571fs.
Identifiers: ClinVar variation 1075592 (VCV001075592.5), dbSNP rs2144004751, ClinGen allele CA2499224005.
Genomic context (GRCh38, chr17:31,221,914, plus strand): 5'-TGCTGGTTCTTCATCAGTTAGATAGCATTGATTTGTGGAATCCTGATGCTCCTGTAGAAA[CA>C]TTTTGGGAGATTAGGTATATGTACTTTTATTTTTTAAATTCAACTTTTAAATTTTATTTT-3'

ClinVar aggregate classification (germline): Pathogenic (1 of 4 stars; one submission).

Conditions:
Neurofibromatosis, type 1 (NF1). Also called: VON RECKLINGHAUSEN DISEASE; Peripheral type neurofibromatosis; NEUROFIBROMATOSIS, TYPE I, SOMATIC; Neurofibromatosis, type I. Identifiers: Orphanet 636, MedGen C0027831, MONDO:0018975, OMIM 162200. Disease mechanism: loss of function.

Submission:

Labcorp Genetics (formerly Invitae), Labcorp
Classification: Pathogenic for Neurofibromatosis, type 1. Last evaluated: 2020-08-20. Review status: criteria provided, single submitter. Criteria: Invitae Variant Classification Sherloc (09022015). Collection method: clinical testing. Allele origin: germline.
Comment: This variant has not been reported in the literature in individuals with NF1-related conditions. For these reasons, this variant has been classified as Pathogenic. Loss-of-function variants in NF1 are known to be pathogenic (PMID: 10712197, 23913538). This variant is not present in population databases (ExAC no frequency). This sequence change creates a premature translational stop signal (p.Trp571Glyfs*15) in the NF1 gene. It is expected to result in an absent or disrupted protein product.

Literature cited by the submitters: PubMed 10712197; PubMed 23913538.